The following is an entry in ClinVar:

NM_004364.5(CEBPA):c.431A>G (p.Glu144Gly)

Gene: CEBPA (CCAAT enhancer binding protein alpha; minus strand). Cytogenetic location: 19q13.11.
Variant type: single nucleotide variant.
Coding change: c.431A>G on transcript NM_004364.5 (MANE Select); coding-DNA position 431, A replaced by G.
Protein change: p.Glu144Gly; replaces glutamic acid 144 with glycine.
Molecular consequence: missense variant.
Genome position (GRCh38, 1-based): chr19:33,301,984, T>C on the plus strand (A>G on the coding strand, the complement: CEBPA is on the minus strand). VCF-style: chr19-33301984-T-C. GRCh37 (hg19) VCF-style: chr19-33792890-T-C.
Other names: c.74A>G, p.Glu25Gly (NM_001285829.2); c.536A>G, p.Glu179Gly (NM_001287424.2); c.389A>G, p.Glu130Gly (NM_001287435.2); c.431A>G (NM_004364.3); short protein forms E25G, E144G, E179G, E130G.
Identifiers: ClinVar variation 954565 (VCV000954565.9), dbSNP rs1967184550, ClinGen allele CA405274968.
Genomic context (GRCh38, chr19:33,301,984, plus strand): 5'-GGCTCCTGCTTGATCACCAGCGGCCGCAGCGCCGGCGCCCCGACGCGCTCGTACAGGGGC[T>C]CCAGCCTGCCGTCCAGGTAGCCGGCGGCCGCGCAGCCGTAGCCGGGCGGGGGCCCGTGCG-3'
Protein context (NP_004355.2, residues 134-154): AAAGYLDGRL[Glu144Gly]PLYERVGAPA

ClinVar aggregate classification (germline): Conflicting classifications of pathogenicity. Review status: criteria provided, conflicting classifications (1 of 4 stars). 2 submissions from 2 submitters: Uncertain significance (1); Likely benign (1). Last evaluated 2025-03-05.

Conditions:
Inborn genetic diseases. Identifiers: MedGen C0950123, MeSH D030342.
Acute myeloid leukemia (AML). Also called: Acute myeloid leukemia, adult; AML adult; Acute non-lymphocytic leukemia; Acute granulocytic leukemia; Leukemia, acute myelogenous, somatic; Leukemia, acute myeloid, somatic. Identifiers: Orphanet 519, MedGen C0023467, MeSH D015470, MONDO:0018874, OMIM 601626, HP:0004808. Disease mechanism: Constitutively activated FLT3.

Allele frequency attached by ClinVar (database versions not stated): gnomAD exomes 0.00001; TOPMed 0.00001.
gnomAD v4.1: 12 of 1,206,012 alleles (0.001%); highest among the groups gnomAD compares: Non-Finnish European, 0.0012%; no homozygotes.

Submissions (2):

Ambry Genetics
Classification: Likely benign for Inborn genetic diseases. Last evaluated: 2025-03-05. Review status: criteria provided, single submitter. Criteria: Ambry Variant Classification Scheme 2023. Collection method: clinical testing. Allele origin: germline.

Labcorp Genetics (formerly Invitae), Labcorp
Classification: Uncertain significance for Acute myeloid leukemia. Last evaluated: 2024-04-03. Review status: criteria provided, single submitter. Criteria: Invitae Variant Classification Sherloc (09022015). Collection method: clinical testing. Allele origin: germline.
Comment: This sequence change replaces glutamic acid, which is acidic and polar, with glycine, which is neutral and non-polar, at codon 144 of the CEBPA protein (p.Glu144Gly). The frequency data for this variant in the population databases is considered unreliable, as metrics indicate insufficient coverage at this position in the gnomAD database. This variant has not been reported in the literature in individuals affected with CEBPA-related conditions. ClinVar contains an entry for this variant (Variation ID: 954565). Advanced modeling of protein sequence and biophysical properties (such as structural, functional, and spatial information, amino acid conservation, physicochemical variation, residue mobility, and thermodynamic stability) performed at Invitae indicates that this missense variant is not expected to disrupt CEBPA protein function with a negative predictive value of 80%. In summary, the available evidence is currently insufficient to determine the role of this variant in disease. Therefore, it has been classified as a Variant of Uncertain Significance.